The following is an entry in ClinVar:

ClinVar aggregate classification (germline): Pathogenic/Likely pathogenic. Review status: criteria provided, multiple submitters, no conflicts (2 of 4 stars). 5 submissions from 5 submitters: Pathogenic (1); Likely pathogenic (3). 1 of the submissions does not count toward it. Last evaluated 2026-02-27.

Conditions:
Autosomal recessive nonsyndromic hearing loss 3. Also called: NEUROSENSORY NONSYNDROMIC RECESSIVE DEAFNESS 3. Identifiers: Orphanet 90636, MedGen C1838263, MONDO:0010860, OMIM 600316.

Allele frequency attached by ClinVar (database versions not stated): TOPMed 0.00003; gnomAD 0.00004; ESP Exome Variant Server 0.00008; ExAC 0.00001; gnomAD exomes below 0.00001 and 0.00003.
gnomAD v4.1: 45 of 1,613,586 alleles (0.0028%); highest among the groups gnomAD compares: Non-Finnish European, 0.0036%; no homozygotes.

Submissions (5):

GeneDx
Classification: Likely pathogenic. Last evaluated: 2026-02-27. Review status: criteria provided, single submitter. Criteria: GeneDx Variant Classification Process June 2021. Collection method: clinical testing. Allele origin: germline.
Comment: Not observed at significant frequency in large population cohorts (gnomAD); In silico analysis supports that this missense variant has a deleterious effect on protein structure/function; This variant is associated with the following publications: (PMID: 31835641, 34388253, 26445815, 19274735)

Labcorp Genetics (formerly Invitae), Labcorp
Classification: Pathogenic. Last evaluated: 2025-03-10. Review status: criteria provided, single submitter. Criteria: Invitae Variant Classification Sherloc (09022015). Collection method: clinical testing. Allele origin: germline.
Comment: This sequence change replaces arginine, which is basic and polar, with glutamine, which is neutral and polar, at codon 2124 of the MYO15A protein (p.Arg2124Gln). This variant is present in population databases (rs368053088, gnomAD 0.0008%). This missense change has been observed in individual(s) with sensorineural hearing loss (PMID: 19274735). It has also been observed to segregate with disease in related individuals. ClinVar contains an entry for this variant (Variation ID: 946446). Invitae Evidence Modeling of protein sequence and biophysical properties (such as structural, functional, and spatial information, amino acid conservation, physicochemical variation, residue mobility, and thermodynamic stability) indicates that this missense variant is expected to disrupt MYO15A protein function with a positive predictive value of 80%. For these reasons, this variant has been classified as Pathogenic.

Fulgent Genetics
Classification: Likely pathogenic for Autosomal recessive nonsyndromic hearing loss 3. Last evaluated: 2021-07-10. Review status: criteria provided, single submitter. Criteria: ACMG Guidelines, 2015. Collection method: clinical testing. Allele origin: unknown.

Genetics Research Center, University of Social Welfare and Rehabilitation Sciences
Classification: Likely pathogenic for Autosomal recessive nonsyndromic hearing loss 3. Review status: criteria provided, single submitter. Criteria: ACMG Guidelines, 2015. Collection method: research. Allele origin: germline. Affected: yes.
Comment: The variant is present in the gnomAD v2.1.1 dataset at a very low allele frequency (0.0007%) and has been previously reported in individual(s) affected with MYO15A-related hearing loss (PMID:19274735). It has also been observed to segregate with disease in related individuals. Multiple in silico prediction tools suggest that the variant is damaging to protein function.

Genomic Medicine Center of Excellence, King Faisal Specialist Hospital and Research Centre
Classification: Uncertain significance for Autosomal recessive nonsyndromic hearing loss 3. Last evaluated: 2024-03-25. Review status: flagged submission. Criteria: ACMG Guidelines, 2015. Collection method: clinical testing. Allele origin: germline. Not counted in ClinVar's aggregate classification.
ClinVar note: Reason: Outlier claim with insufficient supporting evidence

Literature cited by the submitters: PubMed 19274735 (cited by Labcorp Genetics (formerly Invitae), Labcorp and Genetics Research Center, University of Social Welfare and Rehabilitation Sciences).

NM_016239.4(MYO15A):c.6371G>A (p.Arg2124Gln)

Gene: MYO15A (myosin XVA; plus strand). Cytogenetic location: 17p11.2.
Variant type: single nucleotide variant.
Coding change: c.6371G>A on transcript NM_016239.4 (MANE Select); coding-DNA position 6371, G replaced by A.
Protein change: p.Arg2124Gln; replaces arginine 2124 with glutamine.
Molecular consequence: missense variant.
Genome position (GRCh38, 1-based): chr17:18,145,969, G>A. VCF-style: chr17-18145969-G-A. GRCh37 (hg19) VCF-style: chr17-18049283-G-A.
Other names: short protein forms R2124Q.
Identifiers: ClinVar variation 946446 (VCV000946446.11), dbSNP rs368053088, ClinGen allele CA8424582.